The following is an entry in ClinVar:

NM_004415.4(DSP):c.4490G>C (p.Arg1497Pro)

Gene: DSP (desmoplakin; plus strand). Cytogenetic location: 6p24.3.
Variant type: single nucleotide variant.
Coding change: c.4490G>C on transcript NM_004415.4 (MANE Select); coding-DNA position 4490, G replaced by C.
Protein change: p.Arg1497Pro; replaces arginine 1497 with proline.
Molecular consequence: missense variant. On other transcripts: intron variant (2).
Genome position (GRCh38, 1-based): chr6:7,580,680, G>C. VCF-style: chr6-7580680-G-C. GRCh37 (hg19) VCF-style: chr6-7580913-G-C.
Other names: c.4050+440G>C (NM_001319034.2); c.3582+908G>C (NM_001008844.3); short protein forms R1497P.
Identifiers: ClinVar variation 2775310 (VCV002775310.3), dbSNP rs727505037, ClinGen allele CA362686424.
Genomic context (GRCh38, chr6:7,580,680, plus strand): 5'-AGGATAAAAACAAGGAGATAGAAAGGTTAAAACAACTGATCGACAAAGAAACAAATGACC[G>C]GAAATGCCTGGAAGATGAAAACGCGAGATTACAAAGGGTCCAGTATGACCTGCAGAAAGC-3'
Protein context (NP_004406.2, residues 1487-1507): KQLIDKETND[Arg1497Pro]KCLEDENARL

ClinVar aggregate classification (germline): Uncertain significance. Review status: criteria provided, multiple submitters, no conflicts (2 of 4 stars). 2 submissions from 2 submitters: Uncertain significance (2). Last evaluated 2024-03-06.

Conditions:
Cardiomyopathy (CMYO). Also called: Cardiomyopathies. Identifiers: Orphanet 167848, MedGen C0878544, MONDO:0004994, HP:0001638. Inheritance: Various modes of inheritance.
Arrhythmogenic cardiomyopathy with wooly hair and keratoderma. Also called: PALMOPLANTAR KERATODERMA WITH LEFT VENTRICULAR CARDIOMYOPATHY AND WOOLLY HAIR; Dilated cardiomyopathy with woolly hair and keratoderma; Arrhythmogenic cardiomyopathy with woolly hair and keratoderma; Carvajal syndrome. Identifiers: Orphanet 65282, MedGen C1854063, MONDO:0011581, OMIM 605676.

Submissions (2):

Color Diagnostics, LLC DBA Color Health
Classification: Uncertain significance for Cardiomyopathy. Last evaluated: 2024-03-06. Review status: criteria provided, single submitter. Criteria: ACMG Guidelines, 2015. Collection method: clinical testing. Allele origin: germline.
Comment: This missense variant replaces arginine with proline at codon 1497 of the DSP protein. Computational prediction suggests that this variant may not impact protein structure and function (internally defined REVEL score threshold <= 0.5, PMID: 27666373). To our knowledge, functional studies have not been reported for this variant. This variant has not been reported in individuals affected with cardiovascular disorders in the literature. This variant has not been identified in the general population by the Genome Aggregation Database (gnomAD). The available evidence is insufficient to determine the role of this variant in disease conclusively. Therefore, this variant is classified as a Variant of Uncertain Significance.

All of Us Research Program, National Institutes of Health
Classification: Uncertain significance for Arrhythmogenic cardiomyopathy with wooly hair and keratoderma. Last evaluated: 2023-03-09. Review status: criteria provided, single submitter. Criteria: ACMG Guidelines, 2015. Collection method: clinical testing. Allele origin: germline. Inheritance: Autosomal dominant inheritance. Observed: 1 variant allele, 1 heterozygote.
Comment: This missense variant replaces arginine with proline at codon 1497 of the DSP protein. Computational prediction suggests that this variant may not impact protein structure and function (internally defined REVEL score threshold <= 0.5, PMID: 27666373). To our knowledge, functional studies have not been reported for this variant. This variant has not been reported in individuals affected with DSP-related disorders in the literature. This variant has not been identified in the general population by the Genome Aggregation Database (gnomAD). The available evidence is insufficient to determine the role of this variant in disease conclusively. Therefore, this variant is classified as a Variant of Uncertain Significance.

This study involves interpretation of variants in research participants for the purpose of population health screening. Participant phenotype was not available at the time of variant classification. Additional details can be found in publication PMID: 35346344, PMCID: PMC8962531